The following is an entry in ClinVar:

ClinVar aggregate classification (germline): Benign/Likely benign. Review status: criteria provided, multiple submitters, no conflicts (2 of 4 stars). 8 submissions from 8 submitters: Benign (1); Likely benign (6). 1 of the submissions does not count toward it. Last evaluated 2025-11-24.

Conditions:
Cardiovascular phenotype. Identifiers: MedGen CN230736.
Noonan syndrome (NS). Also called: Noonan's syndrome. Identifiers: Orphanet 648, MedGen C0028326, MeSH D009634, MONDO:0018997. Disease mechanism: gain of function.
Noonan syndrome 9 (NS9). Identifiers: Orphanet 648, MedGen C4225282, MONDO:0014691, OMIM 616559.

Allele frequency attached by ClinVar (database versions not stated): TOPMed 0.00006 and 0.00017; gnomAD 0.00010 and 0.00013; gnomAD exomes 0.00012 and 0.00019; ExAC 0.00023; 1000 Genomes Project 30x 0.00078; 1000 Genomes Project 0.00100.
gnomAD v4.1: 201 of 1,602,914 alleles (0.013%); highest among the groups gnomAD compares: Middle Eastern, 0.23%; no homozygotes.

Submissions (8):

Labcorp Genetics (formerly Invitae), Labcorp
Classification: Likely benign for Noonan syndrome 9. Last evaluated: 2025-11-24. Review status: criteria provided, single submitter. Criteria: Invitae Variant Classification Sherloc (09022015). Collection method: clinical testing. Allele origin: germline.

Blueprint Genetics
Classification: Likely benign. Last evaluated: 2024-11-19. Review status: criteria provided, single submitter. Criteria: ACMG Guidelines, 2015. Collection method: clinical testing. Allele origin: germline.

CeGaT Center for Human Genetics Tuebingen
Classification: Benign. Last evaluated: 2022-08-01. Review status: criteria provided, single submitter. Criteria: CeGaT Center For Human Genetics Tuebingen Variant Classification Criteria Version 2. Collection method: clinical testing. Allele origin: germline. Affected: yes. Observed: 1 variant allele.
Comment: SOS2: BS1, BS2

Ambry Genetics
Classification: Likely benign for Cardiovascular phenotype. Last evaluated: 2022-06-22. Review status: criteria provided, single submitter. Criteria: Ambry Variant Classification Scheme 2023. Collection method: clinical testing. Allele origin: germline.

Women's Health and Genetics/Laboratory Corporation of America, LabCorp
Classification: Likely benign. Last evaluated: 2020-07-13. Review status: criteria provided, single submitter. Criteria: LabCorp Variant Classification Summary - May 2015. Collection method: clinical testing. Allele origin: germline.
Comment: Variant summary: SOS2 c.3088A>G (p.Thr1030Ala) results in a non-conservative amino acid change in the encoded protein sequence. Three of five in-silico tools predict a benign effect of the variant on protein function. The variant allele was found at a frequency of 0.00019 in 240566 control chromosomes. The observed variant frequency is approximately 75 fold of the estimated maximal expected allele frequency for a pathogenic variant in SOS2 causing Noonan Syndrome And Related Conditions phenotype (2.5e-06), strongly suggesting that the variant is benign. To our knowledge, no occurrence of c.3088A>G in individuals affected with Noonan Syndrome And Related Conditions and no experimental evidence demonstrating its impact on protein function have been reported. One clinical diagnostic laboratory has submitted clinical-significance assessments for this variant to ClinVar after 2014 without evidence for independent evaluation and classified the variant as likely benign. Based on the evidence outlined above, the variant was classified as likely benign.

Breakthrough Genomics
Classification: Likely benign. Review status: criteria provided, single submitter. Criteria: ACMG Guidelines, 2015. Collection method: not provided. Allele origin: germline. Inheritance: Autosomal dominant inheritance. Affected: yes.

Genome-Nilou Lab
Classification: Likely benign for Noonan syndrome 9. Review status: criteria provided, single submitter. Criteria: ACMG Guidelines, 2015. Collection method: clinical testing. Allele origin: germline.

Service de Génétique Moléculaire, Hôpital Robert Debré
Classification: Likely benign for Noonan syndrome. Review status: no assertion criteria provided. Collection method: clinical testing. Allele origin: unknown. Affected: yes. Not counted in ClinVar's aggregate classification.

NM_006939.4(SOS2):c.3088A>G (p.Thr1030Ala)

Gene: SOS2 (SOS Ras/Rho guanine nucleotide exchange factor 2; minus strand). Cytogenetic location: 14q21.3.
Variant type: single nucleotide variant.
Coding change: c.3088A>G on transcript NM_006939.4 (MANE Select); coding-DNA position 3088, A replaced by G.
Protein change: p.Thr1030Ala; replaces threonine 1030 with alanine.
Molecular consequence: missense variant.
Genome position (GRCh38, 1-based): chr14:50,130,750, T>C on the plus strand (A>G on the coding strand, the complement: SOS2 is on the minus strand). VCF-style: chr14-50130750-T-C. GRCh37 (hg19) VCF-style: chr14-50597468-T-C.
Other names: short protein forms T1030A.
Identifiers: ClinVar variation 475751 (VCV000475751.42), dbSNP rs550680554, ClinGen allele CA7176871.